The following is an entry in ClinVar:

NM_001253697.2(ERBIN):c.3082A>T (p.Met1028Leu)

Gene: ERBIN (erbb2 interacting protein; plus strand). Cytogenetic location: 5q12.3.
Variant type: single nucleotide variant.
Coding change: c.3082A>T on transcript NM_001253697.2 (MANE Select); coding-DNA position 3082, A replaced by T.
Protein change: p.Met1028Leu; replaces methionine 1028 with leucine.
Molecular consequence: missense variant.
Genome position (GRCh38, 1-based): chr5:66,054,400, A>T. VCF-style: chr5-66054400-A-T. GRCh37 (hg19) VCF-style: chr5-65350228-A-T.
Other names: c.3082A>T, p.Met1028Leu (NM_001006600.3, NM_001253698.2, NM_001253699.2 and 1 more transcripts); c.3070A>T, p.Met1024Leu (NM_001253701.2); short protein forms M1024L, M1028L.
Identifiers: ClinVar variation 3607516 (VCV003607516.2).

ClinVar aggregate classification (germline): Uncertain significance (1 of 4 stars; one submission).

Submission:

Labcorp Genetics (formerly Invitae), Labcorp
Classification: Uncertain significance. Last evaluated: 2024-08-20. Review status: criteria provided, single submitter. Criteria: Invitae Variant Classification Sherloc (09022015). Collection method: clinical testing. Allele origin: germline.
Comment: This sequence change replaces methionine, which is neutral and non-polar, with leucine, which is neutral and non-polar, at codon 1028 of the ERBIN protein (p.Met1028Leu). This variant is not present in population databases (gnomAD no frequency). This variant has not been reported in the literature in individuals affected with ERBIN-related conditions. An algorithm developed to predict the effect of missense changes on protein structure and function outputs the following: PolyPhen-2: "Benign". The leucine amino acid residue is found in multiple mammalian species, which suggests that this missense change does not adversely affect protein function. In summary, the available evidence is currently insufficient to determine the role of this variant in disease. Therefore, it has been classified as a Variant of Uncertain Significance.